The following is an entry in ClinVar:

NM_203446.3(SYNJ1):c.1701G>C (p.Lys567Asn)

Gene: SYNJ1 (synaptojanin 1; minus strand). Cytogenetic location: 21q22.11.
Variant type: single nucleotide variant.
Coding change: c.1701G>C on transcript NM_203446.3 (MANE Select); coding-DNA position 1701, G replaced by C.
Protein change: p.Lys567Asn; replaces lysine 567 with asparagine.
Molecular consequence: missense variant.
Genome position (GRCh38, 1-based): chr21:32,673,365, C>G on the plus strand (G>C on the coding strand, the complement: SYNJ1 is on the minus strand). VCF-style: chr21-32673365-C-G. GRCh37 (hg19) VCF-style: chr21-34045675-C-G.
Other names: c.1701G>C, p.Lys567Asn (NM_001160302.2); c.1686G>C, p.Lys562Asn (NM_001160306.2); c.1818G>C, p.Lys606Asn (NM_003895.4); short protein forms K562N, K567N, K606N.
Identifiers: ClinVar variation 1019669 (VCV001019669.7), dbSNP rs147684005, ClinGen allele CA10003829.

ClinVar aggregate classification (germline): Uncertain significance. Review status: criteria provided, multiple submitters, no conflicts (2 of 4 stars). 2 submissions from 2 submitters: Uncertain significance (2). Last evaluated 2025-08-30.

Conditions:
Inborn genetic diseases. Identifiers: MedGen C0950123, MeSH D030342.
Developmental and epileptic encephalopathy, 53. Also called: Epileptic encephalopathy, early infantile, 53. Identifiers: MedGen C4479313, MONDO:0033362, OMIM 617389.
Early-onset Parkinson disease 20. Also called: PARKINSON DISEASE 20, AUTOSOMAL RECESSIVE EARLY-ONSET. Identifiers: Orphanet 391411, MedGen C3809824, MONDO:0014233, OMIM 615530.

Allele frequency attached by ClinVar (database versions not stated): ExAC 0.00002; gnomAD exomes 0.00002; gnomAD 0.00011 and 0.00012; TOPMed 0.00011; ESP Exome Variant Server 0.00038.
gnomAD v4.1: 50 of 1,609,856 alleles (0.0031%); highest among the groups gnomAD compares: African/African-American, 0.056%; no homozygotes.

Submissions (2):

Ambry Genetics
Classification: Uncertain significance for Inborn genetic diseases. Last evaluated: 2025-08-30. Review status: criteria provided, single submitter. Criteria: Ambry Variant Classification Scheme 2023. Collection method: clinical testing. Allele origin: germline.

Labcorp Genetics (formerly Invitae), Labcorp
Classification: Uncertain significance for Developmental and epileptic encephalopathy, 53; Early-onset Parkinson disease 20. Last evaluated: 2022-08-15. Review status: criteria provided, single submitter. Criteria: Invitae Variant Classification Sherloc (09022015). Collection method: clinical testing. Allele origin: germline.
Comment: This sequence change replaces lysine, which is basic and polar, with asparagine, which is neutral and polar, at codon 606 of the SYNJ1 protein (p.Lys606Asn). This variant is present in population databases (rs147684005, gnomAD 0.03%). This variant has not been reported in the literature in individuals affected with SYNJ1-related conditions. ClinVar contains an entry for this variant (Variation ID: 1019669). Algorithms developed to predict the effect of missense changes on protein structure and function (SIFT, PolyPhen-2, Align-GVGD) all suggest that this variant is likely to be tolerated. In summary, the available evidence is currently insufficient to determine the role of this variant in disease. Therefore, it has been classified as a Variant of Uncertain Significance.